The following is an entry in ClinVar:

ClinVar aggregate classification (germline): Likely pathogenic. Review status: reviewed by expert panel (3 of 4 stars). 3 submissions from 3 submitters: Likely pathogenic (1). 2 of the submissions do not count toward it. Last evaluated 2025-06-30.

Conditions:
RPE65-related recessive retinopathy. Also called: Recessive RPE65 retinopathy. Identifiers: MedGen CN305526, MONDO:0100368.
Leber congenital amaurosis 2 (LCA2). Also called: Autosomal Recessive RPE65-Related Retinal Degeneration; AMAUROSIS CONGENITA OF LEBER II. Identifiers: Orphanet 65, MedGen C1859844, MONDO:0008765, OMIM 204100. Disease mechanism: loss of function.

Submissions (3):

ClinGen Leber Congenital Amaurosis/early Onset Retinal Dystrophy Variant Curation Expert Panel, ClinGen
Classification: Likely pathogenic for RPE65-related recessive retinopathy. Last evaluated: 2025-06-30. Review status: reviewed by expert panel. Criteria: ClinGen LCAeoRD ACMG Specifications RPE65 V1.0.0. Collection method: curation. Allele origin: germline. Inheritance: Autosomal recessive inheritance.
Comment: NM_000329.3(RPE65):c.444G>T (p.Glu148Asp) is a missense variant predicted to replace glutamate with aspartic acid at amino acid p.148. This variant is absent from gnomAD v4.1.0 (PM2_Supporting). This variant has been reported in at least 2 probands with early onset severe retinal dystrophy who harbored the variant in the compound heterozygous state, confirmed in trans with either the NM_000329.3(RPE65):c.131G>A (p.Arg44Gln) variant (PMID: 15024725), which been classified as pathogenic by the ClinGen LCA / eoRD VCEP, or with the NM_000329.3(RPE65):c.1451G>A (p.Gly484Asp) variant (PMID: 30268864), which has been classified as likely pathogenic by the ClinGen LCA / eoRD VCEP (total 2 points, PM3_Strong). The variant has been reported to segregate with childhood-onset severe retinal dystrophy through the proband plus 1 similarly affected relative, with the variant present in the compound heterozygous state (PP1; PMID: 15024725, VCEP member-provided data). The computational predictor REVEL gives a score of 0.696, which is above the ClinGen LCA/eoRD VCEP threshold of ≥0.644 and predicts a damaging effect on RPE65 function (PP3). The splicing impact predictor SpliceAI gives a score of 0.06 for acceptor loss, which is below the ClinGen LCA / eoRD VCEP recommended threshold of ≥0.2 and does not strongly predict an impact on splicing. Introducing the equivalent Glu150Asp substitution into the SynACO enzyme (an ortholog from the unicellular bacterium Synechocystis) reduced its catalytic efficiency to ~9% of the wild-type enzyme (PMID: 34607013). However, PS3_Supporting is not met as this functional assay has not yet been approved by the ClinGen LCA / eoRD VCEP. In summary, this variant meets the criteria to be classified as likely pathogenic for RPE65-related recessive retinopathy based on the ACMG/AMP criteria applied, as specified by the ClinGen LCA/eoRD VCEP: PM2_Supporting, PM3_Strong, PP1, and PP3. (VCEP specifications version 1.0.0; date of approval 09/21/2023).

Laboratory of Genetics in Ophthalmology, Institut Imagine
Classification: Likely pathogenic for Leber congenital amaurosis 2. Review status: no assertion criteria provided. Collection method: research. Allele origin: inherited. Affected: yes. Observed: 2 variant alleles. Not counted in ClinVar's aggregate classification.

Retina International
No classification provided. Review status: no classification provided. Collection method: not provided. Allele origin: not provided. Not counted in ClinVar's aggregate classification.

Literature cited by the submitters: PubMed 16123401 (cited by Laboratory of Genetics in Ophthalmology, Institut Imagine).

NM_000329.3(RPE65):c.444G>T (p.Glu148Asp)

Gene: RPE65 (retinoid isomerohydrolase RPE65; minus strand). Cytogenetic location: 1p31.3.
Variant type: single nucleotide variant.
Coding change: c.444G>T on transcript NM_000329.3 (MANE Select); coding-DNA position 444, G replaced by T.
Protein change: p.Glu148Asp; replaces glutamic acid 148 with aspartic acid.
Molecular consequence: missense variant.
Genome position (GRCh38, 1-based): chr1:68,444,582, C>A on the plus strand (G>T on the coding strand, the complement: RPE65 is on the minus strand). VCF-style: chr1-68444582-C-A. GRCh37 (hg19) VCF-style: chr1-68910265-C-A.
Other names: NM_000329.3(RPE65):c.444G>T; short protein forms E148D.
Identifiers: ClinVar variation 98870 (VCV000098870.3), dbSNP rs61752882, ClinGen allele CA226553.